The following is an entry in ClinVar:

NM_001365276.2(TNXB):c.10151C>G (p.Ser3384Cys)

Gene: TNXB (tenascin XB; minus strand). Cytogenetic location: 6p21.33.
Variant type: single nucleotide variant.
Coding change: c.10151C>G on transcript NM_001365276.2 (MANE Select); coding-DNA position 10151, C replaced by G.
Protein change: p.Ser3384Cys; replaces serine 3384 with cysteine.
Molecular consequence: missense variant.
Genome position (GRCh38, 1-based): chr6:32,047,907, G>C on the plus strand (C>G on the coding strand, the complement: TNXB is on the minus strand). VCF-style: chr6-32047907-G-C. GRCh37 (hg19) VCF-style: chr6-32015684-G-C.
Other names: p.Ser3382Cys; c.10145C>G, p.Ser3382Cys (NM_019105.8); short protein forms S3382C, S3384C.
Identifiers: ClinVar variation 1254667 (VCV001254667.14), dbSNP rs200580526, ClinGen allele CA3733288.
Genomic context (GRCh38, chr6:32,047,907, plus strand): 5'-TTGGCTGCCACCGGCACCACCTGGAGCCGACCATCCTTATCCTTGTACTGGACCACGAAG[G>C]AGTCGAATTCGCCCTCAGGGACCGTCCACGAGAGGCCCACGGAGTCAGGGGTCGCATCTG-3'
Protein context (NP_001352205.1, residues 3374-3394): SWTVPEGEFD[Ser3384Cys]FVVQYKDKDG

ClinVar aggregate classification (germline): Conflicting classifications of pathogenicity. Review status: criteria provided, conflicting classifications (1 of 4 stars). 6 submissions from 6 submitters: Uncertain significance (5); Likely benign (1). Last evaluated 2026-06-02.

Conditions:
TNXB-related disorder. Also called: TNXB-related condition.
Ehlers-Danlos syndrome (EDS). Identifiers: Orphanet 98249, MedGen C0013720, MONDO:0020066.
Cardiovascular phenotype. Identifiers: MedGen CN230736.

Allele frequency attached by ClinVar (database versions not stated): gnomAD 0.00055 and 0.00057; 1000 Genomes Project 0.00060; ESP Exome Variant Server 0.00060; 1000 Genomes Project 30x 0.00062; TOPMed 0.00062.
gnomAD v4.1: 161 of 1,612,716 alleles (0.01%); highest among the groups gnomAD compares: African/African-American, 0.17%; no homozygotes.

Submissions (6):

Women's Health and Genetics/Laboratory Corporation of America, LabCorp
Classification: Uncertain significance. Last evaluated: 2026-06-02. Review status: criteria provided, single submitter. Criteria: LabCorp Variant Classification Summary - May 2015. Collection method: clinical testing. Allele origin: germline.
Comment: Variant summary: TNXB c.10145C>G (p.Ser3382Cys) results in a non-conservative amino acid change in the encoded protein sequence. Algorithms developed to predict the effect of missense changes on protein structure and function are either unavailable or do not agree on the potential impact of this missense change. The variant allele was found at a frequency of 0.00015 in 245406 control chromosomes. This frequency is not significantly higher than estimated for disease-causing variants in TNXB, allowing no conclusion about variant significance. To our knowledge, no occurrence of c.10145C>G in individuals affected with TNXB-related conditions and no experimental evidence demonstrating its impact on protein function have been reported. ClinVar contains an entry for this variant (Variation ID: 1254667). Based on the evidence outlined above, the variant was classified as uncertain significance.

PreventionGenetics, part of Exact Sciences
Classification: Likely benign for TNXB-related condition. Last evaluated: 2025-12-18. Review status: criteria provided, single submitter. Criteria: ACMG Guidelines, 2015. Collection method: clinical testing. Allele origin: germline.
Comment: This variant is classified as likely benign based on ACMG/AMP sequence variant interpretation guidelines (Richards et al. 2015 PMID: 25741868, with internal and published modifications).

Ambry Genetics
Classification: Uncertain significance for Cardiovascular phenotype. Last evaluated: 2025-01-06. Review status: criteria provided, single submitter. Criteria: Ambry Variant Classification Scheme 2023. Collection method: clinical testing. Allele origin: germline.
Comment: The p.S3382C variant (also known as c.10145C>G), located in coding exon 29 of the TNXB gene, results from a C to G substitution at nucleotide position 10145. The serine at codon 3382 is replaced by cysteine, an amino acid with dissimilar properties. This amino acid position is highly conserved in available vertebrate species. In addition, this alteration is predicted to be tolerated by in silico analysis. Since supporting evidence is limited at this time, the clinical significance of this alteration remains unclear.

Mayo Clinic Laboratories, Mayo Clinic
Classification: Uncertain significance. Last evaluated: 2024-08-23. Review status: criteria provided, single submitter. Criteria: ACMG Guidelines, 2015. Collection method: clinical testing. Allele origin: germline. Observed: 1 variant allele.

GeneDx
Classification: Uncertain significance. Last evaluated: 2024-05-09. Review status: criteria provided, single submitter. Criteria: GeneDx Variant Classification Process June 2021. Collection method: clinical testing. Allele origin: germline. Affected: yes.
Comment: In silico analysis supports that this missense variant has a deleterious effect on protein structure/function; Has not been previously published as pathogenic or benign to our knowledge; Has been observed on the same allele (in cis) with p.(V3369M) in several individuals

Genome Diagnostics Laboratory, The Hospital for Sick Children
Classification: Uncertain significance for Ehlers-Danlos syndrome. Last evaluated: 2020-06-01. Review status: criteria provided, single submitter. Criteria: ACMG Guidelines, 2015. Collection method: clinical testing. Allele origin: germline.